The following is an entry in ClinVar:

ClinVar aggregate classification (germline): Uncertain significance. Review status: reviewed by expert panel (3 of 4 stars). 9 submissions from 9 submitters: Uncertain significance (1). 8 of the submissions do not count toward it. Last evaluated 2023-02-26.

Conditions:
Colorectal adenoma. Identifiers: MedGen C1302401, MONDO:0005484.
Classic or attenuated familial adenomatous polyposis. Identifiers: MedGen CN372698, MONDO:0021057.
Hereditary cancer-predisposing syndrome. Also called: Neoplastic Syndromes, Hereditary; Tumor predisposition; Hereditary Cancer Syndrome; Hereditary neoplastic syndrome. Identifiers: Orphanet 140162, MedGen C0027672, MeSH D009386, MONDO:0015356.
Familial adenomatous polyposis 1 (FAP1). Also called: FAMILIAL ADENOMATOUS POLYPOSIS 1, ATTENUATED; POLYPOSIS, ADENOMATOUS INTESTINAL. Identifiers: MedGen C2713442, MONDO:0021056, OMIM 175100. Disease mechanism: loss of function.
Familial multiple polyposis syndrome (FAP). Also called: Familial adenomatous polyposis; Familial intestinal polyposis; Familial Adenomatous Polyposis (FAP); Familial polyposis; Classic familial adenomatous polyposis. Identifiers: Orphanet 733, MedGen C0032580, MONDO:0021055. Disease mechanism: loss of function.

Allele frequency attached by ClinVar (database versions not stated): gnomAD exomes below 0.00001; ESP Exome Variant Server 0.00008.
gnomAD v4.1: 1 of 1,614,176 alleles (0.000062%); highest among the groups gnomAD compares: Non-Finnish European, 0.000085%; no homozygotes.

Submissions (9):

ClinGen InSiGHT Hereditary Colorectal Cancer/Polyposis Variant Curation Expert Panel
Classification: Uncertain significance for Familial adenomatous polyposis 1. Last evaluated: 2023-02-26. Review status: reviewed by expert panel. Criteria: ClinGen InSiGHT HCCP VCEP ACMG Specifications APC V1. Collection method: curation. Allele origin: germline. Inheritance: Autosomal dominant inheritance.
Comment: The c.4732T>G variant in APC is a missense variant predicted to cause the substitution of cysteine by glycine at amino acid position 1578 (p.Cys1578Gly). This variant has been reported in 21 families with FAP worth 9 phenotype points (PS4, Ambry, GeneDX and Invitae internal data). The highest population minor allele frequency in the non-cancer cohort of gnomAD v2.1.1 is 0.0009780% in the non-Finnish European population, which is higher than the ClinGen InSiGHT Hereditary Colorectal Cancer/Polyposis Variant Curation Expert Panel’s (HCCP VCEP) threshold (0.0008%) for PM2_Supporting (PM2_Supporting not met). A luciferase reporter plasmid transiently transfected into SW480 cells is able to suppress beta-catenin-regulated transcription indicating that this variant does not impact protein function (BS3_Supporting; PMID 18199528). APC is defined by the HCCP VCEP as a gene for which primarily truncating variants are known to cause disease (BP1). Due to conflicting evidence, this variant is classified as a Variant of Uncertain Significance (VUS) for FAP based on the ACMG/AMP criteria applied, as specified by the HCCP VCEP: PS4, BS3_Supporting, BP1 (VCEP specifications version 1; date of approval: 12/12/2022).

GeneDx
Classification: Likely pathogenic. Last evaluated: 2026-01-13. Review status: criteria provided, single submitter. Criteria: GeneDx Variant Classification Process June 2021. Collection method: clinical testing. Allele origin: germline. Affected: yes. Not counted in ClinVar's aggregate classification.
Comment: Published functional study demonstrates CRT suppression similar to wild type (PMID: 18199528); In silico analysis supports that this missense variant has a deleterious effect on protein structure/function; Not observed at significant frequency in large population cohorts (gnomAD); This variant is associated with the following publications: (PMID: 21859464, 18199528, 24055113, 28152038, 25637381, 37542411, 39184053)

Labcorp Genetics (formerly Invitae), Labcorp
Classification: Likely pathogenic for Familial adenomatous polyposis 1. Last evaluated: 2025-12-13. Review status: criteria provided, single submitter. Criteria: Invitae Variant Classification Sherloc (09022015). Collection method: clinical testing. Allele origin: germline. Not counted in ClinVar's aggregate classification.
Comment: This sequence change replaces cysteine, which is neutral and slightly polar, with glycine, which is neutral and non-polar, at codon 1578 of the APC protein (p.Cys1578Gly). This variant is not present in population databases (gnomAD no frequency). This missense change has been observed in individuals with clinical features of familial adenomatous polyposis (PMID: 18199528, 37542411; internal data). ClinVar contains an entry for this variant (Variation ID: 140839). Invitae Evidence Modeling of protein sequence and biophysical properties (such as structural, functional, and spatial information, amino acid conservation, physicochemical variation, residue mobility, and thermodynamic stability) indicates that this missense variant is not expected to disrupt APC protein function with a negative predictive value of 95%. Experimental studies are conflicting or provide insufficient evidence to determine the effect of this variant on APC function (PMID: 18199528). In summary, the currently available evidence indicates that the variant is pathogenic, but additional data are needed to prove that conclusively. Therefore, this variant has been classified as Likely Pathogenic.

Women's Health and Genetics/Laboratory Corporation of America, LabCorp
Classification: Likely pathogenic for Familial multiple polyposis syndrome. Last evaluated: 2025-02-06. Review status: criteria provided, single submitter. Criteria: LabCorp Variant Classification Summary - May 2015. Collection method: clinical testing. Allele origin: germline. Not counted in ClinVar's aggregate classification.
Comment: Variant summary: APC c.4732T>G (p.Cys1578Gly) results in a non-conservative amino acid change located in the SAMP repeats/axin binding domain (Azzopardi 2008) of the encoded protein sequence. Five of five in-silico tools predict a damaging effect of the variant on protein function. Several computational tools predict a significant impact on normal splicing: Five predict the variant creates cryptic 5' splice donor site in APC exon 15. However, these predictions have yet to be confirmed by functional studies. The variant allele was found at a frequency of 4e-06 in 250924 control chromosomes. c.4732T>G has been reported in the literature and at our laboratory in individuals affected with features of Familial Adenomatous Polyposis (example, Azzopardi_2008, Schwiter_2023, internal testing). These data indicate that the variant is likely to be associated with disease. At-least one co-occurrence with another pathogenic variant(s) has been reported (PMS2 full gene deletion) in an individual reported to have classic features of Familial Adenomatous Polyposis (Schwiter_2023). At least one publication reports experimental evidence evaluating an impact on protein function (Azzopardi_2008). These results showed no damaging effect of this variant in a Beta-catenin-regulated transcription (CRT) assay. The following publications have been ascertained in the context of this evaluation (PMID: 25637381, 18199528, 24055113, 21859464, 37542411). ClinVar contains an entry for this variant (Variation ID: 140839). Based on the evidence outlined above, the variant was classified as likely pathogenic.

Ambry Genetics
Classification: Pathogenic for Hereditary cancer-predisposing syndrome. Last evaluated: 2024-12-09. Review status: criteria provided, single submitter. Criteria: Ambry Variant Classification Scheme 2023. Collection method: clinical testing. Allele origin: germline. Not counted in ClinVar's aggregate classification.
Comment: The p.C1578G pathogenic mutation (also known as c.4732T>G), located in coding exon 15 of the APC gene, results from a T to G substitution at nucleotide position 4732. The cysteine at codon 1578 is replaced by glycine, an amino acid with highly dissimilar properties. This variant has been detected in multiple individuals with features consistent with APC-related familial adenomatous polyposis. This alteration is located in a conserved SAMP repeat that functions as an axin binding domain (Azzopardi et al. Cancer Res. 2008 Jan;68:358-63; Minde DP et al. Mol. Cancer. 2011 Aug;10:101; Spink KE et al. EMBO J. 2000 May;19:2270&ndash;9). This amino acid position is highly conserved in available vertebrate species. In addition, in silico predictors for this gene do not accurately predict pathogenicity. Based on the supporting evidence, this alteration is interpreted as a disease-causing mutation.

All of Us Research Program, National Institutes of Health
Classification: Uncertain significance for Classic or attenuated familial adenomatous polyposis. Last evaluated: 2024-01-11. Review status: criteria provided, single submitter. Criteria: ACMG Guidelines, 2015. Collection method: clinical testing. Allele origin: germline. Inheritance: Autosomal dominant inheritance. Observed: 2 variant alleles, 2 heterozygotes. Not counted in ClinVar's aggregate classification.
Comment: This missense variant replaces cysteine with glycine at codon 1578 of the APC protein. Computational prediction suggests that this variant may have deleterious impact on protein structure and function (internally defined REVEL score threshold >= 0.7, PMID: 27666373). Functional studies have shown that this variant retained >80% of wild-type APC inhibitory activity on beta--Catenin as assessed by beta--Catenin-regulated transcription (CRT) assays (PMID: 18199528). This variant has been reported in individuals affected with familial adenomatous polyposis and colorectal adenoma (ClinVar: SCV000172947.9, SCV000260260.11, SCV000293423.12; PMID: 18199528). This variant has been identified in 1/250924 chromosomes in the general population by the Genome Aggregation Database (gnomAD). The available evidence is insufficient to determine the role of this variant in disease conclusively. Therefore, this variant is classified as a Variant of Uncertain Significance.

This study involves interpretation of variants in research participants for the purpose of population health screening. Participant phenotype was not available at the time of variant classification. Additional details can be found in publication PMID: 35346344, PMCID: PMC8962531

Baylor Genetics
Classification: Uncertain significance for Familial adenomatous polyposis 1. Last evaluated: 2023-08-31. Review status: criteria provided, single submitter. Criteria: ACMG Guidelines, 2015. Collection method: clinical testing. Allele origin: unknown. Not counted in ClinVar's aggregate classification.

ARUP Laboratories, Molecular Genetics and Genomics, ARUP Laboratories
Classification: Uncertain significance. Last evaluated: 2019-05-18. Review status: criteria provided, single submitter. Criteria: ARUP Molecular Germline Variant Investigation Process. Collection method: clinical testing. Allele origin: germline. Not counted in ClinVar's aggregate classification.
Comment: The APC c.4732T>G; p.Cys1578Gly variant (rs138367627) is reported in the literature in an individual affected with multiple colorectal adenomas (Azzopardi 2008). This variant is found on a single chromosome (1/250924 alleles) in the Genome Aggregation Database, indicating it is not a common polymorphism. The cysteine at codon 1578 is highly conserved across species, located in the SAMP repeats/axin binding domain (Azzopardi 2008), and computational analyses (SIFT, PolyPhen-2) predict that this variant is deleterious. However, in functional assays, the p.Cys1578Gly variant suppressed beta-catenin-regulated transcription to the same extent as wildtype protein (Azzopardi 2008). Due to limited information, the clinical significance of this variant is uncertain at this time. References: Azzopardi D et al. Multiple rare nonsynonymous variants in the adenomatous polyposis coli gene predispose to colorectal adenomas. Cancer Res. 2008 Jan 15;68(2):358-63.

CSER _CC_NCGL, University of Washington
Classification: Uncertain significance for Colorectal adenoma. Last evaluated: 2014-06-01. Review status: no assertion criteria provided. Collection method: research. Allele origin: germline. Inheritance: Autosomal dominant inheritance. Study: ESP 6500 variant annotation. Not counted in ClinVar's aggregate classification.
Comment: Variants classified for the Actionable exomic incidental findings in 6503 participants: challenges of variant classification manuscript

Literature cited by the submitters: PubMed 18199528 (cited by 5 submitters); PubMed 37542411 (cited by Labcorp Genetics (formerly Invitae), Labcorp and Women's Health and Genetics/Laboratory Corporation of America, LabCorp); PubMed 24055113 (cited by Women's Health and Genetics/Laboratory Corporation of America, LabCorp and Ambry Genetics); PubMed 21859464 (cited by Women's Health and Genetics/Laboratory Corporation of America, LabCorp and Ambry Genetics); PubMed 25637381 (cited by Women's Health and Genetics/Laboratory Corporation of America, LabCorp and Ambry Genetics); PubMed 10811618 (cited by Ambry Genetics).

NM_000038.6(APC):c.4732T>G (p.Cys1578Gly)

Gene: APC (APC regulator of Wnt signaling pathway; plus strand). Cytogenetic location: 5q22.2.
Variant type: single nucleotide variant.
Coding change: c.4732T>G on transcript NM_000038.6 (MANE Select); coding-DNA position 4732, T replaced by G.
Protein change: p.Cys1578Gly; replaces cysteine 1578 with glycine.
Molecular consequence: missense variant.
Genome position (GRCh38, 1-based): chr5:112,840,326, T>G. VCF-style: chr5-112840326-T-G. GRCh37 (hg19) VCF-style: chr5-112176023-T-G.
Other names: NM_000038.6(APC):c.4732T>G; c.4732T>G, p.Cys1578Gly (NM_001127510.3, NM_001354895.2); c.4678T>G, p.Cys1560Gly (NM_001127511.3); c.4786T>G, p.Cys1596Gly (NM_001354896.2); c.4762T>G, p.Cys1588Gly (NM_001354897.2); c.4657T>G, p.Cys1553Gly (NM_001354898.2); c.4648T>G, p.Cys1550Gly (NM_001354899.2); c.4609T>G, p.Cys1537Gly (NM_001354900.2); and 6 more; short protein forms C1560G, C1578G, C1553G, C1477G, C1487G, C1519G, C1418G, C1537G.
Identifiers: ClinVar variation 140839 (VCV000140839.33), dbSNP rs138367627, ClinGen allele CA009712.
Genomic context (GRCh38, chr5:112,840,326, plus strand): 5'-GATTCTGAAAAGGACCTATTAGATGATTCAGATGATGATGATATTGAAATACTAGAAGAA[T>G]GTATTATTTCTGCCATGCCAACAAAGTCATCACGTAAAGCAAAAAAGCCAGCCCAGACTG-3'
Protein context (NP_000029.2, residues 1568-1588): DDDDIEILEE[Cys1578Gly]IISAMPTKSS